The following is an entry in ClinVar:

ClinVar aggregate classification (germline): Likely pathogenic (1 of 4 stars; one submission).

Conditions:
Hypohidrotic X-linked ectodermal dysplasia (XHED). Also called: ECTODERMAL DYSPLASIA, HYPOHIDROTIC, 1; CST SYNDROME; Ectodermal Dysplasia 1, Anhidrotic; Anhidrotic ectodermal dysplasia X-linked; Christ Siemens Touraine syndrome; ECTODERMAL DYSPLASIA 1, HYPOHIDROTIC, X-LINKED. Identifiers: Orphanet 181, Orphanet 238468, MedGen C0162359, MONDO:0010585, OMIM 305100.

Submission:

3billion
Classification: Likely pathogenic for Hypohidrotic X-linked ectodermal dysplasia. Last evaluated: 2023-02-23. Review status: criteria provided, single submitter. Criteria: ACMG Guidelines, 2015. Collection method: clinical testing. Allele origin: unknown. Affected: yes.
Comment: The variant is not observed in the gnomAD v2.1.1 dataset. This variant was predicted to result in a loss or disruption of normal protein function through nonsense-mediated decay (NMD) or protein truncation. Multiple pathogenic variants are reported downstream of the variant. Therefore, this variant is classified as Likely pathogenic according to the recommendation of ACMG/AMP guideline.

NM_001399.5(EDA):c.52_53insTGCGA (p.Arg18fs)

Gene: EDA (ectodysplasin A; plus strand). Cytogenetic location: Xq13.1.
Variant type: Insertion.
Coding change: c.52_53insTGCGA on transcript NM_001399.5 (MANE Select); coding-DNA positions 52 to 53, TGCGA inserted.
Protein change: p.Arg18fs; shifts the reading frame from arginine 18.
Molecular consequence: frameshift variant.
Genome position: GRCh38 VCF-style: chrX-69616360-C-CTGCGA. GRCh37 (hg19) VCF-style: chrX-68836204-C-CTGCGA.
Other names: c.52_53insTGCGA, p.Arg18fs (NM_001005609.2, NM_001005610.4, NM_001005612.3 and 1 more transcripts); c.52_53insTGCGA, p.Arg18Leufs (NM_001005615.1); short protein forms R18fs.
Identifiers: ClinVar variation 2444403 (VCV002444403.1), dbSNP rs2519669796, ClinGen allele CA2580101293.
Genomic context (GRCh38, chrX:69,616,360, plus strand): 5'-CCGGAGGCCATGGGCTACCCGGAGGTGGAGCGCAGGGAACTCCTGCCTGCAGCAGCGCCG[C>CTGCGA]GGGAGCGAGGGAGCCAGGGCTGCGGGTGTGGCGGGGCCCCTGCCCGGGCGGGCGAAGGGA-3'